The following is an entry in ClinVar:

NM_001458.5(FLNC):c.1637T>G (p.Val546Gly)

Gene: FLNC (filamin C; plus strand). Cytogenetic location: 7q32.1.
Variant type: single nucleotide variant.
Coding change: c.1637T>G on transcript NM_001458.5 (MANE Select); coding-DNA position 1637, T replaced by G.
Protein change: p.Val546Gly; replaces valine 546 with glycine.
Molecular consequence: missense variant.
Genome position (GRCh38, 1-based): chr7:128,840,635, T>G. VCF-style: chr7-128840635-T-G. GRCh37 (hg19) VCF-style: chr7-128480689-T-G.
Other names: c.1637T>G, p.Val546Gly (NM_001127487.2); short protein forms V546G.
Identifiers: ClinVar variation 2633211 (VCV002633211.1), dbSNP rs2536626502, ClinGen allele CA369226729.

ClinVar aggregate classification (germline): Uncertain significance (1 of 4 stars; one submission).

Conditions:
FLNC-related disorder. Also called: FLNC-related condition; FLNC-related disorders.

Submission:

PreventionGenetics, part of Exact Sciences
Classification: Uncertain significance for FLNC-related condition. Last evaluated: 2023-06-01. Review status: criteria provided, single submitter. Criteria: ACMG Guidelines, 2015. Collection method: clinical testing. Allele origin: germline.
Comment: The FLNC c.1637T>G variant is predicted to result in the amino acid substitution p.Val546Gly. To our knowledge, this variant has not been reported in the literature or in a large population database, indicating this variant is rare. At this time, the clinical significance of this variant is uncertain due to the absence of conclusive functional and genetic evidence.